The following is an entry in ClinVar:

NM_032119.4(ADGRV1):c.3289+191del

Gene: ADGRV1 (adhesion G protein-coupled receptor V1; plus strand). Cytogenetic location: 5q14.3.
Variant type: Deletion.
Coding change: c.3289+191del on transcript NM_032119.4 (MANE Select); 191 bases into the intron after coding-DNA position 3289, one base deleted (G; older notation c.3289+191delG).
Molecular consequence: intron variant.
Genome position (GRCh38, 1-based): chr5:90,647,955, G deleted. VCF-style (leftmost placement, unchanged base first): chr5-90647954-TG-T. GRCh37 (hg19) VCF-style: chr5-89943771-TG-T.
Identifiers: ClinVar variation 678791 (VCV000678791.1), dbSNP rs66505172, ClinGen allele CA121836420.
Genomic context (GRCh38, chr5:90,647,954, plus strand): 5'-TTCATTGCTTTCTTGAGAAATGGGGTGAAGAATGTATGTGTTGAACCTTTATGTACTTGT[TG>T]AACCTTTATGACATCCTTTTTAACCTTTTCTTTATGATATGGCACAAATAGAAAATTCTG-3'

ClinVar aggregate classification (germline): Benign (1 of 4 stars; one submission).

Allele frequency attached by ClinVar (database versions not stated): gnomAD 0.99736 and 0.99745; 1000 Genomes Project 30x 0.99953; 1000 Genomes Project 0.99960.

Submission:

GeneDx
Classification: Benign. Last evaluated: 2018-06-14. Review status: criteria provided, single submitter. Criteria: GeneDx Variant Classification (06012015). Collection method: clinical testing. Allele origin: germline. Affected: yes.
Comment: This variant is considered likely benign or benign based on one or more of the following criteria: it is a conservative change, it occurs at a poorly conserved position in the protein, it is predicted to be benign by multiple in silico algorithms, and/or has population frequency not consistent with disease.